The following is an entry in ClinVar:

NM_006030.4(CACNA2D2):c.321A>G (p.Val107=)

Gene: CACNA2D2 (calcium voltage-gated channel auxiliary subunit alpha2delta 2; minus strand). Cytogenetic location: 3p21.31.
Variant type: single nucleotide variant.
Coding change: c.321A>G on transcript NM_006030.4 (MANE Select); coding-DNA position 321, A replaced by G.
Protein change: p.Val107=; no amino-acid change (valine 107 retained).
Molecular consequence: synonymous variant.
Genome position (GRCh38, 1-based): chr3:50,434,397, T>C on the plus strand (A>G on the coding strand, the complement: CACNA2D2 is on the minus strand). VCF-style: chr3-50434397-T-C. GRCh37 (hg19) VCF-style: chr3-50471828-T-C.
Other names: c.321A>G, p.Val107= (NM_001005505.3, NM_001174051.3, NM_001410768.1); c.114A>G, p.Val38= (NM_001291101.1).
Identifiers: ClinVar variation 3042899 (VCV003042899.4), dbSNP rs1708214554, ClinGen allele CA433802560.

ClinVar aggregate classification (germline): Likely benign. Review status: criteria provided, single submitter (1 of 4 stars). 2 submissions from 2 submitters: Likely benign (1). 1 of the submissions does not count toward it. Last evaluated 2025-01-11.

Conditions:
Early-infantile DEE. Also called: Early infantile epileptic encephalopathy with suppression bursts; Early infantile epileptic encephalopathy; Ohtahara syndrome. Identifiers: Orphanet 1934, MedGen C0393706, MONDO:0800491.
CACNA2D2-related disorder. Also called: CACNA2D2-related condition.

Allele frequency attached by ClinVar (database versions not stated): gnomAD 0.00001; gnomAD exomes below 0.00001.
gnomAD v4.1: 2 of 1,613,958 alleles (0.00012%); highest among the groups gnomAD compares: Non-Finnish European, 0.00017%; no homozygotes.

Submissions (2):

Labcorp Genetics (formerly Invitae), Labcorp
Classification: Likely benign for Early-infantile DEE. Last evaluated: 2025-01-11. Review status: criteria provided, single submitter. Criteria: Invitae Variant Classification Sherloc (09022015). Collection method: clinical testing. Allele origin: germline.

PreventionGenetics, part of Exact Sciences
Classification: Likely benign for CACNA2D2-related condition. Last evaluated: 2019-06-21. Review status: no assertion criteria provided. Collection method: clinical testing. Allele origin: germline. Not counted in ClinVar's aggregate classification.
Comment: This variant is classified as likely benign based on ACMG/AMP sequence variant interpretation guidelines (Richards et al. 2015 PMID: 25741868, with internal and published modifications).